The following is an entry in ClinVar:

NM_005045.4(RELN):c.859G>A (p.Ala287Thr)

Gene: RELN (reelin; minus strand). Cytogenetic location: 7q22.1.
Variant type: single nucleotide variant.
Coding change: c.859G>A on transcript NM_005045.4 (MANE Select); coding-DNA position 859, G replaced by A.
Protein change: p.Ala287Thr; replaces alanine 287 with threonine.
Molecular consequence: missense variant.
Genome position (GRCh38, 1-based): chr7:103,700,953, C>T on the plus strand (G>A on the coding strand, the complement: RELN is on the minus strand). VCF-style: chr7-103700953-C-T. GRCh37 (hg19) VCF-style: chr7-103341400-C-T.
Other names: c.859G>A, p.Ala287Thr (NM_173054.3); short protein forms A287T.
Identifiers: ClinVar variation 2952246 (VCV002952246.3), dbSNP rs1336511176, ClinGen allele CA368928033.

ClinVar aggregate classification (germline): Uncertain significance (1 of 4 stars; one submission).

Conditions:
Norman-Roberts syndrome (LIS2). Also called: Lissencephaly 2 (Norman-Roberts type). Identifiers: Orphanet 89844, MedGen C0796089, MONDO:0009760, OMIM 257320.
Familial temporal lobe epilepsy 7. Identifiers: Orphanet 101046, MedGen C4225327, MONDO:0014639, OMIM 616436.

Submission:

Labcorp Genetics (formerly Invitae), Labcorp
Classification: Uncertain significance for Familial temporal lobe epilepsy 7; Norman-Roberts syndrome. Last evaluated: 2023-09-25. Review status: criteria provided, single submitter. Criteria: Invitae Variant Classification Sherloc (09022015). Collection method: clinical testing. Allele origin: germline.
Comment: This sequence change replaces alanine, which is neutral and non-polar, with threonine, which is neutral and polar, at codon 287 of the RELN protein (p.Ala287Thr). This variant is not present in population databases (gnomAD no frequency). This variant has not been reported in the literature in individuals affected with RELN-related conditions. Advanced modeling of protein sequence and biophysical properties (such as structural, functional, and spatial information, amino acid conservation, physicochemical variation, residue mobility, and thermodynamic stability) performed at Invitae indicates that this missense variant is not expected to disrupt RELN protein function. In summary, the available evidence is currently insufficient to determine the role of this variant in disease. Therefore, it has been classified as a Variant of Uncertain Significance.